The following is an entry in ClinVar:

ClinVar aggregate classification (germline): Uncertain significance (1 of 4 stars; one submission).

Conditions:
Progressive sclerosing poliodystrophy (MTDPS4A). Also called: Mitochondrial DNA Depletion Syndrome 4A; ALPERS PROGRESSIVE INFANTILE POLIODYSTROPHY; NEURONAL DEGENERATION OF CHILDHOOD WITH LIVER DISEASE, PROGRESSIVE; Mitochondrial DNA depletion syndrome 4A (Alpers type); Alpers-Huttenlocher Syndrome (AHS); Alpers Syndrome. Identifiers: Orphanet 726, MedGen C0205710, MONDO:0008758, OMIM 203700.

gnomAD v4.1: 1 of 1,614,056 alleles (0.000062%); highest among the groups gnomAD compares: Non-Finnish European, 0.000085%; no homozygotes.

Submission:

Labcorp Genetics (formerly Invitae), Labcorp
Classification: Uncertain significance for Progressive sclerosing poliodystrophy. Last evaluated: 2022-03-29. Review status: criteria provided, single submitter. Criteria: Invitae Variant Classification Sherloc (09022015). Collection method: clinical testing. Allele origin: germline.
Comment: In summary, the available evidence is currently insufficient to determine the role of this variant in disease. Therefore, it has been classified as a Variant of Uncertain Significance. Algorithms developed to predict the effect of missense changes on protein structure and function are either unavailable or do not agree on the potential impact of this missense change (SIFT: "Tolerated"; PolyPhen-2: "Probably Damaging"; Align-GVGD: "Class C0"). This variant has not been reported in the literature in individuals affected with POLG-related conditions. This variant is not present in population databases (gnomAD no frequency). This sequence change replaces alanine, which is neutral and non-polar, with serine, which is neutral and polar, at codon 781 of the POLG protein (p.Ala781Ser).

NM_002693.3(POLG):c.2341G>T (p.Ala781Ser)

Gene: POLG (DNA polymerase gamma, catalytic subunit; minus strand). Cytogenetic location: 15q26.1.
Variant type: single nucleotide variant.
Coding change: c.2341G>T on transcript NM_002693.3 (MANE Select); coding-DNA position 2341, G replaced by T.
Protein change: p.Ala781Ser; replaces alanine 781 with serine.
Molecular consequence: missense variant.
Genome position (GRCh38, 1-based): chr15:89,322,827, C>A on the plus strand (G>T on the coding strand, the complement: POLG is on the minus strand). VCF-style: chr15-89322827-C-A. GRCh37 (hg19) VCF-style: chr15-89866058-C-A.
Other names: c.2341G>T, p.Ala781Ser (NM_001126131.2); short protein forms A781S.
Identifiers: ClinVar variation 1976382 (VCV001976382.5), dbSNP rs575660501, ClinGen allele CA393756435.